The following is an entry in ClinVar:

NM_000231.3(SGCG):c.241_297+1169del

Gene: SGCG (sarcoglycan gamma; plus strand). Cytogenetic location: 13q12.12.
Variant type: Deletion.
Coding change: c.241_297+1169del on transcript NM_000231.3 (MANE Select); coding-DNA position 241 through 1169 bases into the intron after coding-DNA position 297, 1,226 bases deleted.
Molecular consequence: splice donor variant.
Genome position (GRCh38, 1-based): chr13:23,234,656-23,235,881, 1,226 bases deleted. GRCh37 (hg19): chr13:23,808,795-23,810,020.
Other names: c.295_351+1169del (NM_001378244.1); c.241_297+1169del (NM_001378245.1, NM_001378246.1).
Identifiers: ClinVar variation 664767 (VCV000664767.2), ClinGen allele CA915946742.

ClinVar aggregate classification (germline): Pathogenic (1 of 4 stars; one submission).

Conditions:
Autosomal recessive limb-girdle muscular dystrophy type 2C (LGMDR5). Also called: MUSCULAR DYSTROPHY, LIMB-GIRDLE, AUTOSOMAL RECESSIVE 5; MUSCULAR DYSTROPHY, DUCHENNE-LIKE. Identifiers: Orphanet 353, MedGen C0410173, MONDO:0009677, OMIM 253700. Disease mechanism: Affects gamma-sarcoglycan and also disrupts the integrity of the entire sarcoglycan complex..

Submission:

Labcorp Genetics (formerly Invitae), Labcorp
Classification: Pathogenic for Severe autosomal recessive muscular dystrophy of childhood - North African type. Last evaluated: 2019-03-09. Review status: criteria provided, single submitter. Criteria: Invitae Variant Classification Sherloc (09022015). Collection method: clinical testing. Allele origin: germline.
Comment: This variant is a deletion of the genomic region encompassing part of exon 3 (c.237_297+1165del ) of the SGCG gene. It is expected to disrupt RNA splicing and likely results in an absent or disrupted protein product. This variant has been observed in individual(s) with clinical features of SGCG-related conditions (Invitae). In at least one individual the data is consistent with the variant being in trans (on the opposite chromosome) from a pathogenic variant. Loss-of-function variants in SGCG are known to be pathogenic (PMID: 18285821). For these reasons, this variant has been classified as Pathogenic.